The following is an entry in ClinVar:

NM_000310.4(PPT1):c.548C>T (p.Ala183Val)

Gene: PPT1 (palmitoyl-protein thioesterase 1; minus strand). Cytogenetic location: 1p34.2.
Variant type: single nucleotide variant.
Coding change: c.548C>T on transcript NM_000310.4 (MANE Select); coding-DNA position 548, C replaced by T.
Protein change: p.Ala183Val; replaces alanine 183 with valine.
Molecular consequence: missense variant.
Genome position (GRCh38, 1-based): chr1:40,080,476, G>A on the plus strand (C>T on the coding strand, the complement: PPT1 is on the minus strand). VCF-style: chr1-40080476-G-A. GRCh37 (hg19) VCF-style: chr1-40546148-G-A.
Other names: c.239C>T, p.Ala80Val (NM_001142604.2); c.548C>T, p.Ala183Val (NM_001363695.2); short protein forms A183V, A80V.
Identifiers: ClinVar variation 4292608 (VCV004292608.1).
Genomic context (GRCh38, chr1:40,080,476, plus strand): 5'-GCCAAGAAGATGCTGTGGTTGCGATACACATCCTCCTTTATGGGGTCATGCCAGTATTCG[G>A]CTTGCACGAGGCTGTAGGAAAAAAAAAGAATGAGGTGATCAAGCTACAGGTCAGTCAGTA-3'
Protein context (NP_000301.1, residues 173-193): SKVVQERLVQ[Ala183Val]EYWHDPIKED

ClinVar aggregate classification (germline): Uncertain significance (1 of 4 stars; one submission).

Conditions:
Neuronal ceroid lipofuscinosis 1 (CLN1). Also called: PPT1-Related Neuronal Ceroid-Lipofuscinosis; CEROID LIPOFUSCINOSIS, NEURONAL, 1, VARIABLE AGE AT ONSET. Identifiers: Orphanet 228329, MedGen C1850451, MONDO:0009744, OMIM 256730.

Submission:

3billion
Classification: Uncertain significance for Neuronal ceroid lipofuscinosis 1. Last evaluated: 2024-11-22. Review status: criteria provided, single submitter. Criteria: ACMG Guidelines, 2015. Collection method: clinical testing. Allele origin: germline. Affected: yes.
Comment: The variant is not observed in the gnomAD v4.1.0 dataset. Predicted Consequence/Location: Missense variant In silico tool predictions suggest damaging effect of the variant on gene or gene product [REVEL: 0.95 (>=0.6, sensitivity 0.68 and specificity 0.92); 3Cnet: 0.90 (>=0.6, sensitivity 0.72 and precision 0.9)]. A different missense change at the same codon (p.Ala183Ser) has been reported to be associated with PPT1 related disorder (PMID: 26075876). However the evidence of pathogenicity is insufficient at this time. Therefore, this variant is classified as VUS according to the recommendation of ACMG/AMP guideline.

Literature cited by the submitters: PubMed 26075876.